The following is an entry in ClinVar:

ClinVar aggregate classification (germline): Uncertain significance (1 of 4 stars; one submission).

gnomAD v4.1: 1 of 1,614,124 alleles (0.000062%); highest among the groups gnomAD compares: Non-Finnish European, 0.000085%; no homozygotes.

Submission:

GeneDx
Classification: Uncertain significance. Last evaluated: 2023-04-30. Review status: criteria provided, single submitter. Criteria: GeneDx Variant Classification Process June 2021. Collection method: clinical testing. Allele origin: germline. Affected: yes.
Comment: Not observed at significant frequency in large population cohorts (gnomAD); In silico analysis supports that this missense variant does not alter protein structure/function; Has not been previously published as pathogenic or benign to our knowledge

NM_020706.2(SCAF4):c.1154C>T (p.Pro385Leu)

Gene: SCAF4 (SR-related CTD associated factor 4; minus strand). Cytogenetic location: 21q22.11.
Variant type: single nucleotide variant.
Coding change: c.1154C>T on transcript NM_020706.2 (MANE Select); coding-DNA position 1154, C replaced by T.
Protein change: p.Pro385Leu; replaces proline 385 with leucine.
Molecular consequence: missense variant.
Genome position (GRCh38, 1-based): chr21:31,694,895, G>A on the plus strand (C>T on the coding strand, the complement: SCAF4 is on the minus strand). VCF-style: chr21-31694895-G-A. GRCh37 (hg19) VCF-style: chr21-33067208-G-A.
Other names: c.1109C>T, p.Pro370Leu (NM_001145444.1); c.1154C>T, p.Pro385Leu (NM_001145445.1); short protein forms P370L, P385L.
Identifiers: ClinVar variation 3343261 (VCV003343261.1).